The following is an entry in ClinVar:

NM_000051.4(ATM):c.6134C>A (p.Ala2045Asp)

Genes: ATM (ATM serine/threonine kinase; plus strand), C11orf65 (chromosome 11 open reading frame 65; minus strand). Cytogenetic location: 11q22.3.
Variant type: single nucleotide variant.
Coding change: c.6134C>A on transcript NM_000051.4 (MANE Select); coding-DNA position 6134, C replaced by A.
Protein change: p.Ala2045Asp; replaces alanine 2045 with aspartic acid.
Molecular consequence: missense variant. On other transcripts: intron variant (2).
Genome position (GRCh38, 1-based): chr11:108,316,049, C>A. VCF-style: chr11-108316049-C-A. GRCh37 (hg19) VCF-style: chr11-108186776-C-A.
Other names: c.6134C>A, p.Ala2045Asp (NM_001351834.2); c.641-6978G>T (NM_001330368.2); c.*39-6978G>T (NM_001351110.2); short protein forms A2045D.
Identifiers: ClinVar variation 246196 (VCV000246196.12), dbSNP rs879254147, ClinGen allele CA10584356.

ClinVar aggregate classification (germline): Uncertain significance. Review status: criteria provided, multiple submitters, no conflicts (2 of 4 stars). 4 submissions from 4 submitters: Uncertain significance (4). Last evaluated 2025-03-13.

Conditions:
Hereditary cancer-predisposing syndrome. Also called: Neoplastic Syndromes, Hereditary; Hereditary neoplastic syndrome; Tumor predisposition; Hereditary Cancer Syndrome. Identifiers: Orphanet 140162, MedGen C0027672, MeSH D009386, MONDO:0015356.
Ataxia-telangiectasia syndrome (AT). Also called: Ataxia telangiectasia (A-T); Cerebello-oculocutaneous telangiectasia; Immunodeficiency with ataxia telangiectasia; LOUIS-BAR SYNDROME; AT, COMPLEMENTATION GROUP C; ATAXIA-TELANGIECTASIA, FRESNO VARIANT. Identifiers: Orphanet 100, MedGen C0004135, MONDO:0008840, OMIM 208900.

Allele frequency attached by ClinVar (database versions not stated): gnomAD 0.00001.
gnomAD v4.1: 1 of 1,614,038 alleles (0.000062%); highest among the groups gnomAD compares: Non-Finnish European, 0.000085%; no homozygotes.

Submissions (4):

Labcorp Genetics (formerly Invitae), Labcorp
Classification: Uncertain significance for Ataxia-telangiectasia syndrome. Last evaluated: 2025-03-13. Review status: criteria provided, single submitter. Criteria: Invitae Variant Classification Sherloc (09022015). Collection method: clinical testing. Allele origin: germline.
Comment: This sequence change replaces alanine, which is neutral and non-polar, with aspartic acid, which is acidic and polar, at codon 2045 of the ATM protein (p.Ala2045Asp). This variant is not present in population databases (gnomAD no frequency). This variant has not been reported in the literature in individuals affected with ATM-related conditions. ClinVar contains an entry for this variant (Variation ID: 246196). Invitae Evidence Modeling of protein sequence and biophysical properties (such as structural, functional, and spatial information, amino acid conservation, physicochemical variation, residue mobility, and thermodynamic stability) indicates that this missense variant is not expected to disrupt ATM protein function with a negative predictive value of 95%. In summary, the available evidence is currently insufficient to determine the role of this variant in disease. Therefore, it has been classified as a Variant of Uncertain Significance.

Ambry Genetics
Classification: Uncertain significance for Hereditary cancer-predisposing syndrome. Last evaluated: 2024-10-30. Review status: criteria provided, single submitter. Criteria: Ambry Variant Classification Scheme 2023. Collection method: clinical testing. Allele origin: germline.
Comment: The p.A2045D variant (also known as c.6134C>A), located in coding exon 41 of the ATM gene, results from a C to A substitution at nucleotide position 6134. The alanine at codon 2045 is replaced by aspartic acid, an amino acid with dissimilar properties. This amino acid position is highly conserved in available vertebrate species. In addition, the in silico prediction for this alteration is inconclusive. Based on the available evidence, the clinical significance of this variant remains unclear.

Mendelics
Classification: Uncertain significance for Ataxia-telangiectasia syndrome. Last evaluated: 2018-07-02. Review status: criteria provided, single submitter. Criteria: Mendelics Assertion Criteria 2017. Collection method: clinical testing. Allele origin: unknown.

GeneDx
Classification: Uncertain significance. Last evaluated: 2017-12-29. Review status: criteria provided, single submitter. Criteria: GeneDx Variant Classification (06012015). Collection method: clinical testing. Allele origin: germline. Affected: yes.
Comment: This variant is denoted ATM c.6134C>A at the cDNA level, p.Ala2045Asp (A2045D) at the protein level, and results in the change of an Alanine to an Aspartic Acid (GCC>GAC). This variant has not, to our knowledge, been published in the literature as pathogenic or benign. ATM Ala2045Asp was not observed in large population cohorts (Lek 2016). This variant is located in the FAT domain (Stracker 2013). In-silico analysis, which includes protein predictors and evolutionary conservation, supports a deleterious effect. Based on currently available evidence, it is unclear whether ATM Ala2045Asp is a pathogenic or benign variant. We consider it to be a variant of uncertain significance.